The following is an entry in ClinVar:

NM_001365480.1(CCDC88A):c.3506G>A (p.Arg1169His)

Gene: CCDC88A (coiled-coil domain containing 88A; minus strand). Cytogenetic location: 2p16.1.
Variant type: single nucleotide variant.
Coding change: c.3506G>A on transcript NM_001365480.1 (MANE Select); coding-DNA position 3506, G replaced by A.
Protein change: p.Arg1169His; replaces arginine 1169 with histidine.
Molecular consequence: missense variant.
Genome position (GRCh38, 1-based): chr2:55,317,660, C>T on the plus strand (G>A on the coding strand, the complement: CCDC88A is on the minus strand). VCF-style: chr2-55317660-C-T. GRCh37 (hg19) VCF-style: chr2-55544796-C-T.
Other names: c.3503G>A, p.Arg1168His (NM_001135597.2, NM_001254943.2); c.3506G>A, p.Arg1169His (NM_018084.5); c.3503G>A (NM_001135597.1); short protein forms R1168H, R1169H.
Identifiers: ClinVar variation 1384946 (VCV001384946.6), dbSNP rs200637526, ClinGen allele CA47593163.

ClinVar aggregate classification (germline): Uncertain significance. Review status: criteria provided, multiple submitters, no conflicts (2 of 4 stars). 2 submissions from 2 submitters: Uncertain significance (2). Last evaluated 2025-03-08.

Allele frequency attached by ClinVar (database versions not stated): gnomAD exomes below 0.00001 and 0.00001; gnomAD 0.00001; TOPMed 0.00001.
gnomAD v4.1: 16 of 1,612,972 alleles (0.00099%); highest among the groups gnomAD compares: African/African-American, 0.0027%; no homozygotes.

Submissions (2):

Ambry Genetics
Classification: Uncertain significance. Last evaluated: 2025-03-08. Review status: criteria provided, single submitter. Criteria: Ambry Variant Classification Scheme 2023. Collection method: clinical testing. Allele origin: germline.

Labcorp Genetics (formerly Invitae), Labcorp
Classification: Uncertain significance. Last evaluated: 2022-07-22. Review status: criteria provided, single submitter. Criteria: Invitae Variant Classification Sherloc (09022015). Collection method: clinical testing. Allele origin: germline.
Comment: This sequence change replaces arginine, which is basic and polar, with histidine, which is basic and polar, at codon 1168 of the CCDC88A protein (p.Arg1168His). This variant is present in population databases (rs200637526, gnomAD 0.004%). This variant has not been reported in the literature in individuals affected with CCDC88A-related conditions. ClinVar contains an entry for this variant (Variation ID: 1384946). Algorithms developed to predict the effect of missense changes on protein structure and function are either unavailable or do not agree on the potential impact of this missense change (SIFT: "Deleterious"; PolyPhen-2: "Probably Damaging"; Align-GVGD: "Class C0"). In summary, the available evidence is currently insufficient to determine the role of this variant in disease. Therefore, it has been classified as a Variant of Uncertain Significance.